The following is an entry in ClinVar:

NM_001379659.1(ZNF142):c.1027C>A (p.Gln343Lys)

Gene: ZNF142 (zinc finger protein 142; minus strand). Cytogenetic location: 2q35.
Variant type: single nucleotide variant.
Coding change: c.1027C>A on transcript NM_001379659.1 (MANE Select); coding-DNA position 1027, C replaced by A.
Protein change: p.Gln343Lys; replaces glutamine 343 with lysine.
Molecular consequence: missense variant.
Genome position (GRCh38, 1-based): chr2:218,650,380, G>T on the plus strand (C>A on the coding strand, the complement: ZNF142 is on the minus strand). VCF-style: chr2-218650380-G-T. GRCh37 (hg19) VCF-style: chr2-219515103-G-T.
Other names: c.427C>A, p.Gln143Lys (NM_001105537.5, NM_001366291.3, NM_001379662.1); c.-63C>A (NM_001366287.3, NM_001366288.3, NM_001366289.3); c.1027C>A, p.Gln343Lys (NM_001366290.3, NM_001379660.1, NM_001379661.1); short protein forms Q143K, Q343K.
Identifiers: ClinVar variation 3048809 (VCV003048809.10), dbSNP rs181627115, ClinGen allele CA2109450.

ClinVar aggregate classification (germline): Likely benign. Review status: criteria provided, single submitter (1 of 4 stars). 2 submissions from 2 submitters: Likely benign (1). 1 of the submissions does not count toward it. Last evaluated 2025-06-01.

Conditions:
ZNF142-related disorder. Also called: ZNF142-related condition.

Allele frequency attached by ClinVar (database versions not stated): gnomAD exomes 0.00025; TOPMed 0.00294; ExAC 0.00084; 1000 Genomes Project 0.00100; 1000 Genomes Project 30x 0.00156; ESP Exome Variant Server 0.00262.
gnomAD v4.1: 797 of 1,614,130 alleles (0.049%); highest among the groups gnomAD compares: African/African-American, 0.95%; 3 homozygotes.

Submissions (2):

CeGaT Center for Human Genetics Tuebingen
Classification: Likely benign. Last evaluated: 2025-06-01. Review status: criteria provided, single submitter. Criteria: CeGaT Center For Human Genetics Tuebingen Variant Classification Criteria Version 2. Collection method: clinical testing. Allele origin: germline. Affected: yes. Observed: 1 variant allele.
Comment: ZNF142: BP4, BS2

PreventionGenetics, part of Exact Sciences
Classification: Benign for ZNF142-related condition. Last evaluated: 2024-05-19. Review status: no assertion criteria provided. Collection method: clinical testing. Allele origin: germline. Not counted in ClinVar's aggregate classification.
Comment: This variant is classified as benign based on ACMG/AMP sequence variant interpretation guidelines (Richards et al. 2015 PMID: 25741868, with internal and published modifications).